The following is an entry in ClinVar:

ClinVar aggregate classification (germline): Benign (0 of 4 stars; one submission).

Conditions:
MUC16-related disorder. Also called: MUC16-related condition.

Allele frequency attached by ClinVar (database versions not stated): ESP Exome Variant Server 0.12446; gnomAD exomes 0.14677; gnomAD 0.14688; TOPMed 0.14912; ExAC 0.16761; 1000 Genomes Project 30x 0.18660; 1000 Genomes Project 0.18730.

Submission:

PreventionGenetics, part of Exact Sciences
Classification: Benign for MUC16-related condition. Last evaluated: 2019-10-21. Review status: no assertion criteria provided. Collection method: clinical testing. Allele origin: germline.
Comment: This variant is classified as benign based on ACMG/AMP sequence variant interpretation guidelines (Richards et al. 2015 PMID: 25741868, with internal and published modifications).

NM_001401501.2(MUC16):c.9985C>A (p.Pro3329Thr)

Gene: MUC16 (mucin 16, cell surface associated; minus strand). Cytogenetic location: 19p13.2.
Variant type: single nucleotide variant.
Coding change: c.9985C>A on transcript NM_001401501.2 (MANE Select); coding-DNA position 9985, C replaced by A.
Protein change: p.Pro3329Thr; replaces proline 3329 with threonine.
Molecular consequence: missense variant.
Genome position (GRCh38, 1-based): chr19:8,966,905, G>T on the plus strand (C>A on the coding strand, the complement: MUC16 is on the minus strand). VCF-style: chr19-8966905-G-T. GRCh37 (hg19) VCF-style: chr19-9077581-G-T.
Other names: c.10411C>A, p.Pro3471Thr (NM_001414686.1); c.9865C>A, p.Pro3289Thr (NM_001414687.1, NM_024690.2); short protein forms P3289T, P3329T, P3471T.
Identifiers: ClinVar variation 3060292 (VCV003060292.2), dbSNP rs73011014, ClinGen allele CA9171574.